The following is an entry in ClinVar:

ClinVar aggregate classification (germline): Uncertain significance (1 of 4 stars; one submission).

gnomAD v4.1: 2 of 1,608,776 alleles (0.00012%); highest among the groups gnomAD compares: Non-Finnish European, 0.00017%; no homozygotes.

Submission:

GeneDx
Classification: Uncertain significance. Last evaluated: 2026-09-25. Review status: criteria provided, single submitter. Criteria: GeneDx Variant Classification Process June 2021. Collection method: clinical testing. Allele origin: germline.
Comment: Not observed at significant frequency in large population cohorts (gnomAD); In silico analysis suggests that this missense variant does not alter protein structure/function; Has not been previously published as pathogenic or benign to our knowledge

NM_003931.3(WASF1):c.1171C>T (p.Pro391Ser)

Gene: WASF1 (WASP family member 1; minus strand). Cytogenetic location: 6q21.
Variant type: single nucleotide variant.
Coding change: c.1171C>T on transcript NM_003931.3 (MANE Select); coding-DNA position 1171, C replaced by T.
Protein change: p.Pro391Ser; replaces proline 391 with serine.
Molecular consequence: missense variant.
Genome position (GRCh38, 1-based): chr6:110,101,939, G>A on the plus strand (C>T on the coding strand, the complement: WASF1 is on the minus strand). VCF-style: chr6-110101939-G-A. GRCh37 (hg19) VCF-style: chr6-110423142-G-A.
Other names: c.1171C>T, p.Pro391Ser (NM_001024934.2, NM_001024935.2, NM_001024936.2); short protein forms P391S.
Identifiers: ClinVar variation 4538791 (VCV004538791.2).
Genomic context (GRCh38, chr6:110,101,939, plus strand): 5'-GTACAGTCTCACATACTGGGGCAGCTCTAGCTACTGGTGGAGAGGGCTGTACTAGAGGAG[G>A]TGCAATTGGAGGAGGAGCTGGGTGAAGAACTCCAGGGGCAATCTGAAGAGGAGCTGGAGG-3'
Protein context (NP_003922.1, residues 381-401): VLHPAPPPIA[Pro391Ser]PLVQPSPPVA